The following is an entry in ClinVar:

ClinVar aggregate classification (germline): Uncertain significance (1 of 4 stars; one submission).

Conditions:
Charcot-Marie-Tooth disease axonal type 2C (HMSN2C). Also called: Charcot-Marie-Tooth Disease Type 2, TRPV4-Related (CMT2C); CHARCOT-MARIE-TOOTH DISEASE, AXONAL, AUTOSOMAL DOMINANT, TYPE 2C; Charcot-Marie-Tooth Neuropathy Type 2C. Identifiers: Orphanet 99937, MedGen C1853710, MONDO:0011633, OMIM 606071.

Allele frequency attached by ClinVar (database versions not stated): gnomAD exomes below 0.00001; gnomAD 0.00001; TOPMed 0.00001.
gnomAD v4.1: 4 of 1,612,348 alleles (0.00025%); highest among the groups gnomAD compares: Non-Finnish European, 0.00034%; no homozygotes.

Submission:

Labcorp Genetics (formerly Invitae), Labcorp
Classification: Uncertain significance for Charcot-Marie-Tooth disease axonal type 2C. Last evaluated: 2025-07-27. Review status: criteria provided, single submitter. Criteria: Invitae Variant Classification Sherloc (09022015). Collection method: clinical testing. Allele origin: germline.
Comment: This sequence change replaces histidine, which is basic and polar, with tyrosine, which is neutral and polar, at codon 388 of the TRPV4 protein (p.His388Tyr). This variant is not present in population databases (gnomAD no frequency). This variant has not been reported in the literature in individuals affected with TRPV4-related conditions. ClinVar contains an entry for this variant (Variation ID: 940390). Invitae Evidence Modeling of protein sequence and biophysical properties (such as structural, functional, and spatial information, amino acid conservation, physicochemical variation, residue mobility, and thermodynamic stability) has been performed for this missense variant. However, the output from this modeling did not meet the statistical confidence thresholds required to predict the impact of this variant on TRPV4 protein function. In summary, the available evidence is currently insufficient to determine the role of this variant in disease. Therefore, it has been classified as a Variant of Uncertain Significance.

NM_021625.5(TRPV4):c.1162C>T (p.His388Tyr)

Gene: TRPV4 (transient receptor potential cation channel subfamily V member 4; minus strand). Cytogenetic location: 12q24.11.
Variant type: single nucleotide variant.
Coding change: c.1162C>T on transcript NM_021625.5 (MANE Select); coding-DNA position 1162, C replaced by T.
Protein change: p.His388Tyr; replaces histidine 388 with tyrosine.
Molecular consequence: missense variant. On other transcripts: intron variant (2).
Genome position (GRCh38, 1-based): chr12:109,796,695, G>A on the plus strand (C>T on the coding strand, the complement: TRPV4 is on the minus strand). VCF-style: chr12-109796695-G-A. GRCh37 (hg19) VCF-style: chr12-110234500-G-A.
Other names: c.1021C>T, p.His341Tyr (NM_001177428.2); c.1060C>T, p.His354Tyr (NM_001177431.2); c.1011+1919C>T (NM_001177433.1); c.1152+1919C>T (NM_147204.2); short protein forms H388Y, H341Y, H354Y.
Identifiers: ClinVar variation 940390 (VCV000940390.8), dbSNP rs1201172376, ClinGen allele CA386653956.